The following is an entry in ClinVar:

NM_020928.2(ZSWIM6):c.2848A>G (p.Thr950Ala)

Gene: ZSWIM6 (zinc finger SWIM-type containing 6; plus strand). Cytogenetic location: 5q12.1.
Variant type: single nucleotide variant.
Coding change: c.2848A>G on transcript NM_020928.2 (MANE Select); coding-DNA position 2848, A replaced by G.
Protein change: p.Thr950Ala; replaces threonine 950 with alanine.
Molecular consequence: missense variant.
Genome position (GRCh38, 1-based): chr5:61,543,517, A>G. VCF-style: chr5-61543517-A-G. GRCh37 (hg19) VCF-style: chr5-60839344-A-G.
Other names: short protein forms T950A.
Identifiers: ClinVar variation 4084522 (VCV004084522.8).

ClinVar aggregate classification (germline): Uncertain significance (1 of 4 stars; one submission).

gnomAD v4.1: 2 of 1,551,592 alleles (0.00013%); highest among the groups gnomAD compares: Non-Finnish European, 0.00017%; no homozygotes.

Submission:

CeGaT Center for Human Genetics Tuebingen
Classification: Uncertain significance. Last evaluated: 2025-07-01. Review status: criteria provided, single submitter. Criteria: CeGaT Center For Human Genetics Tuebingen Variant Classification Criteria Version 2. Collection method: clinical testing. Allele origin: germline. Affected: yes. Observed: 1 variant allele.
Comment: ZSWIM6: PM2